The following is an entry in ClinVar:

ClinVar aggregate classification (germline): Uncertain significance. Review status: criteria provided, multiple submitters, no conflicts (2 of 4 stars). 3 submissions from 3 submitters: Uncertain significance (3). Last evaluated 2025-12-16.

Conditions:
Osteogenesis imperfecta type 8 (OI8). Identifiers: MedGen C1970458, MONDO:0012581, OMIM 610915.
Inborn genetic diseases. Identifiers: MedGen C0950123, MeSH D030342.

Allele frequency attached by ClinVar (database versions not stated): gnomAD 0.00001; ExAC 0.00003; gnomAD exomes 0.00004; TOPMed 0.00005.
gnomAD v4.1: 36 of 1,613,790 alleles (0.0022%); highest among the groups gnomAD compares: Admixed American, 0.018%; no homozygotes.

Submissions (3):

Ambry Genetics
Classification: Uncertain significance for Inborn genetic diseases. Last evaluated: 2025-12-16. Review status: criteria provided, single submitter. Criteria: Ambry Variant Classification Scheme 2023. Collection method: clinical testing. Allele origin: germline.

GeneDx
Classification: Uncertain significance. Last evaluated: 2024-06-05. Review status: criteria provided, single submitter. Criteria: GeneDx Variant Classification Process June 2021. Collection method: clinical testing. Allele origin: germline. Affected: yes.
Comment: In silico analysis supports that this missense variant has a deleterious effect on protein structure/function; Has not been previously published as pathogenic or benign to our knowledge

Labcorp Genetics (formerly Invitae), Labcorp
Classification: Uncertain significance for Osteogenesis imperfecta type 8. Last evaluated: 2021-09-01. Review status: criteria provided, single submitter. Criteria: Invitae Variant Classification Sherloc (09022015). Collection method: clinical testing. Allele origin: germline.
Comment: This sequence change replaces arginine with histidine at codon 547 of the P3H1 protein (p.Arg547His). The arginine residue is moderately conserved and there is a small physicochemical difference between arginine and histidine. This variant is present in population databases (rs750685729, ExAC 0.01%). This variant has not been reported in the literature in individuals affected with P3H1-related conditions. Algorithms developed to predict the effect of missense changes on protein structure and function (SIFT, PolyPhen-2, Align-GVGD) all suggest that this variant is likely to be tolerated. In summary, the available evidence is currently insufficient to determine the role of this variant in disease. Therefore, it has been classified as a Variant of Uncertain Significance.

NM_022356.4(P3H1):c.1640G>A (p.Arg547His)

Gene: P3H1 (prolyl 3-hydroxylase 1; minus strand). Cytogenetic location: 1p34.2.
Variant type: single nucleotide variant.
Coding change: c.1640G>A on transcript NM_022356.4 (MANE Select); coding-DNA position 1640, G replaced by A.
Protein change: p.Arg547His; replaces arginine 547 with histidine.
Molecular consequence: missense variant.
Genome position (GRCh38, 1-based): chr1:42,750,266, C>T on the plus strand (G>A on the coding strand, the complement: P3H1 is on the minus strand). VCF-style: chr1-42750266-C-T. GRCh37 (hg19) VCF-style: chr1-43215937-C-T.
Other names: c.1640G>A, p.Arg547His (NM_001146289.2, NM_001243246.2); short protein forms R547H.
Identifiers: ClinVar variation 573036 (VCV000573036.8), dbSNP rs750685729, ClinGen allele CA801751.
Genomic context (GRCh38, chr1:42,750,266, plus strand): 5'-ACCAGATGAGAGTAGGAAAAGTAGAGGGGCGTATCCAGGCGGAAGTAGGACTCCATGATG[C>T]GCCGCACCTTCTCCGTCACGTTGTAGTACAGGTGGGCACTCTGCAGAGGAACTTTGCCTT-3'
Protein context (NP_071751.3, residues 537-557): LYYNVTEKVR[Arg547His]IMESYFRLDT